The following is an entry in ClinVar:

NM_018194.6(HHAT):c.176A>G (p.Glu59Gly)

Gene: HHAT (hedgehog acyltransferase; plus strand). Cytogenetic location: 1q32.2.
Variant type: single nucleotide variant.
Coding change: c.176A>G on transcript NM_018194.6 (MANE Select); coding-DNA position 176, A replaced by G.
Protein change: p.Glu59Gly; replaces glutamic acid 59 with glycine.
Molecular consequence: missense variant.
Genome position (GRCh38, 1-based): chr1:210,387,484, A>G. VCF-style: chr1-210387484-A-G. GRCh37 (hg19) VCF-style: chr1-210560828-A-G.
Other names: c.176A>G, p.Glu59Gly (NM_001122834.4, NM_001170564.3, NM_001170580.3 and 1 more transcripts); c.179A>G, p.Glu60Gly (NM_001170587.3); short protein forms E59G, E60G.
Identifiers: ClinVar variation 3731615 (VCV003731615.1).

ClinVar aggregate classification (germline): Uncertain significance (0 of 4 stars; one submission).

Conditions:
Chondrodysplasia-pseudohermaphroditism syndrome. Also called: Chondrodysplasia pseudohermaphrodism syndrome; Pseudohermaphrodism and chondrodysplasia. Identifiers: Orphanet 1422, MedGen C1838654, MONDO:0010814, OMIM 600092.

Submission:

Department of Pediatric Genetics, University of Health Sciences, Ankara Bilkent City Children’s Hospital
Classification: Uncertain significance for Chondrodysplasia-pseudohermaphroditism syndrome. Last evaluated: 2024-12-01. Review status: no assertion criteria provided. Collection method: clinical testing. Allele origin: biparental. Affected: yes. Clinical features observed: microcephaly, coloboma, microphthalmia, brachydactyly, distal phalangeal hypoplasia, gonadal dysgenesis, elevated creatine phosphokinase.
Comment: The c.176A>G p.Glu59Gly variant in the HHAT gene (NM_018194.6) is a missense variant in exon 4, not previously reported in the ClinVar. This variant was found in two siblings with a similar phenotype with microcephaly, coloboma, microphthalmia, brachydactyly, gonadal dysgenesis which is a highly specific phenotype for Nivelon Nivelon Mabille syndrome. Allele frequency not reported. This variant is not present in population databases (gnomAD no frequency) (PM2). İn silico prediction tools suggest that this variant may impact the protein (PP3). In summary, this variant meets criteria to be classified as Uncertain Significance for Nivelon Nivelon Mabille syndrome based on the ACMG criteria applied: PP3, PM2, PP1 (Richards 2015).